The following is an entry in ClinVar:

ClinVar aggregate classification (germline): Uncertain significance (1 of 4 stars; one submission).

gnomAD v4.1: 1 of 1,570,792 alleles (0.000064%); highest among the groups gnomAD compares: Non-Finnish European, 0.000086%; no homozygotes.

Submission:

CeGaT Center for Human Genetics Tuebingen
Classification: Uncertain significance. Last evaluated: 2025-06-01. Review status: criteria provided, single submitter. Criteria: CeGaT Center For Human Genetics Tuebingen Variant Classification Criteria Version 2. Collection method: clinical testing. Allele origin: germline. Affected: yes. Observed: 1 variant allele.
Comment: MCM3AP: PM2, BP4

NM_003906.5(MCM3AP):c.3882G>C (p.Arg1294Ser)

Gene: MCM3AP (minichromosome maintenance complex component 3 associated protein; minus strand). Cytogenetic location: 21q22.3.
Variant type: single nucleotide variant.
Coding change: c.3882G>C on transcript NM_003906.5 (MANE Select); coding-DNA position 3882, G replaced by C.
Protein change: p.Arg1294Ser; replaces arginine 1294 with serine.
Molecular consequence: missense variant.
Genome position (GRCh38, 1-based): chr21:46,256,839, C>G on the plus strand (G>C on the coding strand, the complement: MCM3AP is on the minus strand). VCF-style: chr21-46256839-C-G. GRCh37 (hg19) VCF-style: chr21-47676753-C-G.
Other names: short protein forms R1294S.
Identifiers: ClinVar variation 4085023 (VCV004085023.8).